The following is an entry in ClinVar:

ClinVar aggregate classification (germline): Likely benign (1 of 4 stars; one submission).

Submission:

CeGaT Center for Human Genetics Tuebingen
Classification: Likely benign. Last evaluated: 2025-08-01. Review status: criteria provided, single submitter. Criteria: CeGaT Center For Human Genetics Tuebingen Variant Classification Criteria Version 2. Collection method: clinical testing. Allele origin: germline. Affected: yes. Observed: 1 variant allele.
Comment: NF2: PM2:Supporting, BP4, BP7

NM_000268.4(NF2):c.73A>C (p.Arg25=)

Gene: NF2 (NF2, moesin-ezrin-radixin like (MERLIN) tumor suppressor; plus strand). Cytogenetic location: 22q12.2.
Variant type: single nucleotide variant.
Coding change: c.73A>C on transcript NM_000268.4 (MANE Select); coding-DNA position 73, A replaced by C.
Protein change: p.Arg25=; no amino-acid change (arginine 25 retained).
Molecular consequence: synonymous variant. On other transcripts: 5 prime UTR variant (4), non-coding transcript variant (1).
Genome position (GRCh38, 1-based): chr22:29,604,071, A>C. VCF-style: chr22-29604071-A-C. GRCh37 (hg19) VCF-style: chr22-30000060-A-C.
Other names: c.-158A>C (NM_001407053.1, NM_001407056.1); c.73A>C, p.Arg25= (NM_001407054.1, NM_001407055.1, NM_001407057.1 and 15 more transcripts); c.-568A>C (NM_001407065.1); c.-184A>C (NM_001407067.1).
Identifiers: ClinVar variation 4083899 (VCV004083899.8).